The following is an entry in ClinVar:

ClinVar aggregate classification (germline): Uncertain significance (1 of 4 stars; one submission).

Allele frequency attached by ClinVar (database versions not stated): gnomAD 0.00002; TOPMed 0.00002; gnomAD exomes 0.00003; ExAC 0.00009.
gnomAD v4.1: 21 of 1,610,452 alleles (0.0013%); highest among the groups gnomAD compares: Admixed American, 0.035%; no homozygotes.

Submission:

Labcorp Genetics (formerly Invitae), Labcorp
Classification: Uncertain significance. Last evaluated: 2022-07-19. Review status: criteria provided, single submitter. Criteria: Invitae Variant Classification Sherloc (09022015). Collection method: clinical testing. Allele origin: germline.
Comment: This sequence change replaces proline, which is neutral and non-polar, with alanine, which is neutral and non-polar, at codon 303 of the SPEG protein (p.Pro303Ala). This variant is present in population databases (rs763533986, gnomAD 0.04%). This variant has not been reported in the literature in individuals affected with SPEG-related conditions. Advanced modeling of protein sequence and biophysical properties (such as structural, functional, and spatial information, amino acid conservation, physicochemical variation, residue mobility, and thermodynamic stability) performed at Invitae indicates that this missense variant is expected to disrupt SPEG protein function. In summary, the available evidence is currently insufficient to determine the role of this variant in disease. Therefore, it has been classified as a Variant of Uncertain Significance.

NM_005876.5(SPEG):c.907C>G (p.Pro303Ala)

Gene: SPEG (striated muscle enriched protein kinase; plus strand). Cytogenetic location: 2q35.
Variant type: single nucleotide variant.
Coding change: c.907C>G on transcript NM_005876.5 (MANE Select); coding-DNA position 907, C replaced by G.
Protein change: p.Pro303Ala; replaces proline 303 with alanine.
Molecular consequence: missense variant.
Genome position (GRCh38, 1-based): chr2:219,448,065, C>G. VCF-style: chr2-219448065-C-G. GRCh37 (hg19) VCF-style: chr2-220312787-C-G.
Other names: short protein forms P303A.
Identifiers: ClinVar variation 2193826 (VCV002193826.1), dbSNP rs763533986, ClinGen allele CA2125615.